The following is an entry in ClinVar:

NM_003896.4(ST3GAL5):c.1229T>C (p.Leu410Pro)

Gene: ST3GAL5 (ST3 beta-galactoside alpha-2,3-sialyltransferase 5; minus strand). Cytogenetic location: 2p11.2.
Variant type: single nucleotide variant.
Coding change: c.1229T>C on transcript NM_003896.4 (MANE Select); coding-DNA position 1229, T replaced by C.
Protein change: p.Leu410Pro; replaces leucine 410 with proline.
Molecular consequence: missense variant.
Genome position (GRCh38, 1-based): chr2:85,840,172, A>G on the plus strand (T>C on the coding strand, the complement: ST3GAL5 is on the minus strand). VCF-style: chr2-85840172-A-G. GRCh37 (hg19) VCF-style: chr2-86067295-A-G.
Other names: c.1160T>C, p.Leu387Pro (NM_001042437.2); c.845T>C, p.Leu282Pro (NM_001354223.2, NM_001354224.2, NM_001354226.2 and 3 more transcripts); c.1145T>C, p.Leu382Pro (NM_001354227.2, NM_001354229.2, NM_001354238.1); c.506T>C, p.Leu169Pro (NM_001354247.1); c.1070T>C, p.Leu357Pro (NM_001363847.1); short protein forms L169P, L357P, L382P, L387P, L282P, L410P.
Identifiers: ClinVar variation 1481492 (VCV001481492.8), dbSNP rs1287781304, ClinGen allele CA347502490.

ClinVar aggregate classification (germline): Uncertain significance (1 of 4 stars; one submission).

Conditions:
GM3 synthase deficiency (SPDRS). Also called: SALT AND PEPPER MENTAL RETARDATION SYNDROME; SALT AND PEPPER DEVELOPMENTAL REGRESSION SYNDROME; AMISH INFANTILE EPILEPSY SYNDROME. Identifiers: Orphanet 171714, Orphanet 370933, MedGen C1836824, MONDO:0018274, OMIM 609056.

Allele frequency attached by ClinVar (database versions not stated): TOPMed below 0.00001; gnomAD 0.00001; gnomAD exomes 0.00001.
gnomAD v4.1: 9 of 1,614,068 alleles (0.00056%); highest among the groups gnomAD compares: Non-Finnish European, 0.00076%; no homozygotes.

Submission:

Labcorp Genetics (formerly Invitae), Labcorp
Classification: Uncertain significance for GM3 synthase deficiency. Last evaluated: 2022-03-03. Review status: criteria provided, single submitter. Criteria: Invitae Variant Classification Sherloc (09022015). Collection method: clinical testing. Allele origin: germline.
Comment: In summary, the available evidence is currently insufficient to determine the role of this variant in disease. Therefore, it has been classified as a Variant of Uncertain Significance. Algorithms developed to predict the effect of missense changes on protein structure and function (SIFT, PolyPhen-2, Align-GVGD) all suggest that this variant is likely to be disruptive. This variant has not been reported in the literature in individuals affected with ST3GAL5-related conditions. This variant is not present in population databases (gnomAD no frequency). This sequence change replaces leucine, which is neutral and non-polar, with proline, which is neutral and non-polar, at codon 410 of the ST3GAL5 protein (p.Leu410Pro).